The following is an entry in ClinVar:

NM_001134673.4(NFIA):c.875dup (p.Phe293fs)

Gene: NFIA (nuclear factor I A; plus strand). Cytogenetic location: 1p31.3.
Variant type: Duplication.
Coding change: c.875dup on transcript NM_001134673.4 (MANE Select); coding-DNA position 875, one base duplicated (C; older notation c.875dupC).
Protein change: p.Phe293fs; shifts the reading frame from phenylalanine 293.
Molecular consequence: frameshift variant.
Genome position (GRCh38, 1-based): chr1:61,359,203, C duplicated; the last of 2 consecutive C bases (chr1:61,359,202-61,359,203); duplicating either gives the same sequence. VCF-style (leftmost placement, unchanged base first): chr1-61359201-G-GC. GRCh37 (hg19) VCF-style: chr1-61824873-G-GC.
Other names: p.Phe293IlefsTer20; c.851dup, p.Phe285fs (NM_001145511.2); c.1010dup, p.Phe338fs (NM_001145512.2); c.875dup, p.Phe293fs (NM_005595.5); short protein forms F285fs, F293fs, F338fs.
Identifiers: ClinVar variation 3338672 (VCV003338672.2).

ClinVar aggregate classification (germline): Likely pathogenic (1 of 4 stars; one submission).

Conditions:
Brain malformations with or without urinary tract defects. Also called: Brain malformations and urinary tract defects. Identifiers: MedGen C4478940, MONDO:0100478, OMIM 613735.

Submission:

Molecular Genetics and NGS Laboratory, Hospital Fundacion Valle Del Lili
Classification: Likely pathogenic for Brain malformations with or without urinary tract defects. Last evaluated: 2024-09-05. Review status: criteria provided, single submitter. Criteria: ACMG Guidelines, 2015. Collection method: clinical testing. Allele origin: germline. Affected: yes. Observed: 1 variant allele.
Comment: Null variant (frame-shift) in gene NFIA, predicted to cause NMD. Loss-of-function is a known mechanism of disease (gene has 51 reported pathogenic LOF variants). The exon affects 1 functional domain: UniProt protein NFIA_HUMAN region of interest 'Disordered'. The exon contains 5 pathogenic variants. The truncated region contains 18 pathogenic variants (PVS1). Variant not found in gnomAD genomes, good gnomAD genomes coverage = 31.8.Variant not found in gnomAD exomes, good gnomAD exomes coverage = 30.4 (PM2).